The following is an entry in ClinVar:

NM_033100.4(CDHR1):c.1463del (p.Gly488fs)

Gene: CDHR1 (cadherin related family member 1; plus strand). Cytogenetic location: 10q23.1.
Variant type: Deletion.
Coding change: c.1463del on transcript NM_033100.4 (MANE Select); coding-DNA position 1463, one base deleted (G; older notation c.1463delG).
Protein change: p.Gly488fs; shifts the reading frame from glycine 488.
Molecular consequence: frameshift variant.
Genome position (GRCh38, 1-based): chr10:84,211,143, G deleted; the last of 5 consecutive G bases (chr10:84,211,139-84,211,143); deleting any one gives the same sequence. VCF-style (leftmost placement, unchanged base first): chr10-84211138-AG-A. GRCh37 (hg19) VCF-style: chr10-85970894-AG-A.
Other names: CDHR1,  1-BP DEL, 1459G; c.1463del, p.Gly488fs (NM_001171971.3); c.1463del (NM_033100.3); short protein forms G488fs.
Identifiers: ClinVar variation 438116 (VCV000438116.16), dbSNP rs756678484, ClinGen allele CA501195.
Genomic context (GRCh38, chr10:84,211,138, plus strand): 5'-TGACAATGTCCCCAAGTTCGACTCCCTCTACTACGTTGCCAGGATTCCTGAGAACGCCCC[AG>A]GGGGCTCCAGCGTGGTGGCTGTCACAGTGGGTTGGGCACTGGCCCAGGGACTGGGTGGGA-3'

ClinVar aggregate classification (germline): Pathogenic. Review status: criteria provided, multiple submitters, no conflicts (2 of 4 stars). 7 submissions from 7 submitters: Pathogenic (5). 2 of the submissions do not count toward it. Last evaluated 2026-02-24.

Conditions:
CDHR1-related disorders.
CDHR1-related disorder. Also called: CDHR1-related condition.
Retinal dystrophy. Also called: Inherited retinal dystrophy. Identifiers: Orphanet 71862, MedGen C0854723, MeSH D058499, MONDO:0019118, HP:0000556.
Retinitis pigmentosa 65 (RP65). Identifiers: MedGen C3552852, MONDO:0800352.
Cone-rod dystrophy 15 (CORD15). Identifiers: MedGen C3150912, MONDO:0013348, OMIM 613660.

Submissions (7):

PreventionGenetics, part of Exact Sciences
Classification: Pathogenic for CDHR1-related condition. Last evaluated: 2026-02-24. Review status: criteria provided, single submitter. Criteria: ACMG Guidelines, 2015. Collection method: clinical testing. Allele origin: germline.
Comment: The CDHR1 c.1463delG variant is predicted to result in a frameshift and premature protein termination (p.Gly488Alafs*20). This variant has been reported in the homozygous state in individuals with retinal disease (see for examples: Henderson et al. 2010. PubMed ID: 20087419; Li et al. 2017. PubMed ID: 28418496; Table S1, Lin et al. 2024. PubMed ID: 38219857). This variant is present in 0.046% of alleles in individuals of South Asian descent in gnomAD. Frameshift variants in CDHR1 are an established mechanism of disease. This variant is interpreted as pathogenic.

Labcorp Genetics (formerly Invitae), Labcorp
Classification: Pathogenic. Last evaluated: 2025-12-15. Review status: criteria provided, single submitter. Criteria: Invitae Variant Classification Sherloc (09022015). Collection method: clinical testing. Allele origin: germline.
Comment: This sequence change creates a premature translational stop signal (p.Gly488Alafs*20) in the CDHR1 gene. It is expected to result in an absent or disrupted protein product. Loss-of-function variants in CDHR1 are known to be pathogenic (PMID: 23044944, 23591405, 26103963, 26261414). This variant is present in population databases (rs756678484, gnomAD 0.05%). This premature translational stop signal has been observed in individual(s) with autosomal recessive retinitis pigmentosa (PMID: 27623334, 28418496). It has also been observed to segregate with disease in related individuals. This variant is also known as c.1459delG, p.G487GfsX20. ClinVar contains an entry for this variant (Variation ID: 438116). Algorithms developed to predict the effect of sequence changes on RNA splicing suggest that this variant may disrupt the consensus splice site. For these reasons, this variant has been classified as Pathogenic.

Blueprint Genetics
Classification: Pathogenic for CDHR1-related disorders. Last evaluated: 2024-07-08. Review status: criteria provided, single submitter. Criteria: ACMG Guidelines, 2015. Collection method: clinical testing. Allele origin: germline. Affected: yes. Observed: 2 variant alleles.

GeneDx
Classification: Pathogenic. Last evaluated: 2024-02-14. Review status: criteria provided, single submitter. Criteria: GeneDx Variant Classification Process June 2021. Collection method: clinical testing. Allele origin: germline. Affected: yes.
Comment: Frameshift variant predicted to result in protein truncation or nonsense mediated decay in a gene for which loss of function is a known mechanism of disease; This variant is associated with the following publications: (PMID: 30487145, 32581362, 20087419, 27623334, 28418496)

Genetics and Genomic Medicine Centre, NeuroGen Healthcare, NeuroGen Healthcare
Classification: Pathogenic for Cone-rod dystrophy 15. Last evaluated: 2022-04-23. Review status: criteria provided, single submitter. Criteria: Submitter's publication. Collection method: clinical testing. Allele origin: unknown. Affected: no.

NIHR Bioresource Rare Diseases, University of Cambridge
Classification: Pathogenic for Retinal dystrophy. Last evaluated: 2015-01-01. Review status: no assertion criteria provided. Collection method: research. Allele origin: unknown. Affected: yes. Observed: 1 variant allele. Not counted in ClinVar's aggregate classification.

OMIM
Classification: Pathogenic for RETINITIS PIGMENTOSA 65. Last evaluated: 2010-01-15. Review status: no assertion criteria provided. Collection method: literature only. Allele origin: germline. Not counted in ClinVar's aggregate classification.

Literature cited by the submitters: PubMed 23044944 (cited by Labcorp Genetics (formerly Invitae), Labcorp); PubMed 23591405 (cited by Labcorp Genetics (formerly Invitae), Labcorp); PubMed 26103963 (cited by Labcorp Genetics (formerly Invitae), Labcorp); PubMed 26261414 (cited by Labcorp Genetics (formerly Invitae), Labcorp); PubMed 27623334 (cited by Labcorp Genetics (formerly Invitae), Labcorp); PubMed 28418496 (cited by Labcorp Genetics (formerly Invitae), Labcorp); PubMed 20087419 (cited by NIHR Bioresource Rare Diseases, University of Cambridge and OMIM); PubMed 28041643 (cited by NIHR Bioresource Rare Diseases, University of Cambridge).